The following is an entry in ClinVar:

NM_001005242.3(PKP2):c.681C>T (p.Ser227=)

Gene: PKP2 (plakophilin 2; minus strand). Cytogenetic location: 12p11.21.
Variant type: single nucleotide variant.
Coding change: c.681C>T on transcript NM_001005242.3 (MANE Select); coding-DNA position 681, C replaced by T.
Protein change: p.Ser227=; no amino-acid change (serine 227 retained).
Molecular consequence: synonymous variant.
Genome position (GRCh38, 1-based): chr12:32,878,199, G>A on the plus strand (C>T on the coding strand, the complement: PKP2 is on the minus strand). VCF-style: chr12-32878199-G-A. GRCh37 (hg19) VCF-style: chr12-33031133-G-A.
Other names: c.681C>T, p.Ser227= (NM_004572.4).
Identifiers: ClinVar variation 1144120 (VCV001144120.15), dbSNP rs762263587, ClinGen allele CA038304.

ClinVar aggregate classification (germline): Likely benign. Review status: criteria provided, multiple submitters, no conflicts (2 of 4 stars). 5 submissions from 5 submitters: Likely benign (5). Last evaluated 2025-08-24.

Conditions:
Arrhythmogenic right ventricular cardiomyopathy (ARVD). Also called: Cardiomyopathy, ARVC; Arrhythmogenic right ventricular dysplasia; Arrhythmogenic cardiomyopathy; Arrhythmogenic Right Ventricular Cardiomyopathy (ARVC). Identifiers: Orphanet 247, MedGen C0349788, MeSH D019571, MONDO:0016587. Disease mechanism: loss of function. Inheritance: Various modes of inheritance.
Cardiovascular phenotype. Identifiers: MedGen CN230736.
Cardiomyopathy (CMYO). Also called: Cardiomyopathies. Identifiers: Orphanet 167848, MedGen C0878544, MONDO:0004994, HP:0001638. Inheritance: Various modes of inheritance.
Arrhythmogenic right ventricular dysplasia 9 (ARVD9). Also called: Arrhythmogenic Right Ventricular Dysplasia/Cardiomyopathy 9; ARRHYTHMOGENIC RIGHT VENTRICULAR DYSPLASIA, FAMILIAL, 9. Identifiers: MedGen C1836906, MONDO:0012180, OMIM 609040.

Allele frequency attached by ClinVar (database versions not stated): gnomAD exomes below 0.00001; ExAC 0.00001; gnomAD 0.00001; TOPMed 0.00001.

Submissions (5):

Labcorp Genetics (formerly Invitae), Labcorp
Classification: Likely benign for Arrhythmogenic right ventricular dysplasia 9. Last evaluated: 2025-08-24. Review status: criteria provided, single submitter. Criteria: Invitae Variant Classification Sherloc (09022015). Collection method: clinical testing. Allele origin: germline.

Ambry Genetics
Classification: Likely benign for Cardiovascular phenotype. Last evaluated: 2025-01-28. Review status: criteria provided, single submitter. Criteria: Ambry Variant Classification Scheme 2023. Collection method: clinical testing. Allele origin: germline.

All of Us Research Program, National Institutes of Health
Classification: Likely benign for Arrhythmogenic right ventricular cardiomyopathy. Last evaluated: 2023-06-08. Review status: criteria provided, single submitter. Criteria: ACMG Guidelines, 2015. Collection method: clinical testing. Allele origin: germline. Inheritance: Autosomal dominant inheritance. Observed: 1 variant allele, 1 heterozygote.
Comment: This study involves interpretation of variants in research participants for the purpose of population health screening. Participant phenotype was not available at the time of variant classification. Additional details can be found in publication PMID: 35346344, PMCID: PMC8962531

Color Diagnostics, LLC DBA Color Health
Classification: Likely benign for Cardiomyopathy. Last evaluated: 2021-01-05. Review status: criteria provided, single submitter. Criteria: ACMG Guidelines, 2015. Collection method: clinical testing. Allele origin: germline.

GeneDx
Classification: Likely benign. Last evaluated: 2020-01-21. Review status: criteria provided, single submitter. Criteria: GeneDx Variant Classification Process June 2021. Collection method: clinical testing. Allele origin: germline. Affected: yes.